The following is an entry in ClinVar:

NM_033118.4(MYLK2):c.1557C>A (p.Asn519Lys)

Gene: MYLK2 (myosin light chain kinase 2; plus strand). Cytogenetic location: 20q11.21.
Variant type: single nucleotide variant.
Coding change: c.1557C>A on transcript NM_033118.4 (MANE Select); coding-DNA position 1557, C replaced by A.
Protein change: p.Asn519Lys; replaces asparagine 519 with lysine.
Molecular consequence: missense variant.
Genome position (GRCh38, 1-based): chr20:31,831,835, C>A. VCF-style: chr20-31831835-C-A. GRCh37 (hg19) VCF-style: chr20-30419638-C-A.
Other names: short protein forms N519K.
Identifiers: ClinVar variation 2450794 (VCV002450794.2), dbSNP rs2515461168, ClinGen allele CA408528158.

ClinVar aggregate classification (germline): Uncertain significance (1 of 4 stars; one submission).

Allele frequency attached by ClinVar (database versions not stated): gnomAD exomes below 0.00001.
gnomAD v4.1: 1 of 1,614,212 alleles (0.000062%); highest among the groups gnomAD compares: Non-Finnish European, 0.000085%; no homozygotes.

Submission:

Ambry Genetics
Classification: Uncertain significance. Last evaluated: 2022-11-17. Review status: criteria provided, single submitter. Criteria: Ambry Variant Classification Scheme 2023. Collection method: clinical testing. Allele origin: germline.
Comment: The p.N519K variant (also known as c.1557C>A), located in coding exon 10 of the MYLK2 gene, results from a C to A substitution at nucleotide position 1557. The asparagine at codon 519 is replaced by lysine, an amino acid with similar properties. This amino acid position is conserved. In addition, this alteration is predicted to be tolerated by in silico analysis. Since supporting evidence is limited at this time, the clinical significance of this alteration remains unclear.